The following is an entry in ClinVar:

NM_000419.5(ITGA2B):c.175del (p.Asp59fs)

Gene: ITGA2B (integrin subunit alpha 2b; minus strand). Cytogenetic location: 17q21.31.
Variant type: Deletion.
Coding change: c.175del on transcript NM_000419.5 (MANE Select); coding-DNA position 175, one base deleted (G; older notation c.175delG).
Protein change: p.Asp59fs; shifts the reading frame from aspartic acid 59.
Molecular consequence: frameshift variant.
Genome position (GRCh38, 1-based): chr17:44,389,299, C deleted on the plus strand (G on the coding strand, the reverse complement: ITGA2B is on the minus strand); the first of 2 consecutive C bases (chr17:44,389,299-44,389,300); deleting either gives the same sequence. VCF-style (leftmost placement, unchanged base first): chr17-44389298-TC-T. GRCh37 (hg19) VCF-style: chr17-42466666-TC-T.
Other names: NM_000419.5:c.175del; short protein forms D59fs.
Identifiers: ClinVar variation 2498352 (VCV002498352.2), dbSNP rs2510087960, ClinGen allele CA915940266.

ClinVar aggregate classification (germline): Pathogenic (3 of 4 stars; one submission).

Conditions:
Glanzmann thrombasthenia. Also called: BLEEDING DISORDER, PLATELET-TYPE, 2; THROMBASTHENIA OF GLANZMANN AND NAEGELI; Thrombasthenia; PLATELET GLYCOPROTEIN IIb-IIIa DEFICIENCY; Glanzmann's thrombasthenia. Identifiers: Orphanet 849, MedGen C0040015, MONDO:0100326.

Submission:

ClinGen Platelet Disorders Variant Curation Expert Panel, ClinGen
Classification: Pathogenic for Glanzmann thrombasthenia. Last evaluated: 2023-02-23. Review status: reviewed by expert panel. Criteria: ClinGen Platelet ACMG Specifications v2-1. Collection method: curation. Allele origin: germline. Inheritance: Autosomal recessive inheritance.
Comment: NM_000419.5(ITGA2B):c.175del (p.Asp59ThrfsTer?) is a frameshift variant that causes a premature stop codon at exon 3 and is predicted to undergo nonsense mediated decay (PVS1). At least one patient homozygous for this variant displayed mucocutaneous bleeding and impaired aggregation with all agonists except ristocetin, which is highly specific for Glanzmann thrombasthenia (PMID:28078347; PP4_moderate, PM3_supporting). Additionally, αIIbβ3 surface expression was reduced to 3.8%, as measured by flow cytometry. The variant was not found in gnomAD v2.1.1 (PM2_supporting). In summary, this variant meets the criteria to be classified as Pathogenic for autosomal recessive Glanzmann thrombasthenia based on the ACMG/AMP criteria applied, as specified by the ClinGen PD VCEP: PSV1, PM2_supporting, PM3_supporting, PP4_moderate (PD VCEP specifications version 2.1).